The following is an entry in ClinVar:

NM_001035.3(RYR2):c.7601T>C (p.Leu2534Pro)

Gene: RYR2 (ryanodine receptor 2; plus strand). Cytogenetic location: 1q43.
Variant type: single nucleotide variant.
Coding change: c.7601T>C on transcript NM_001035.3 (MANE Select); coding-DNA position 7601, T replaced by C.
Protein change: p.Leu2534Pro; replaces leucine 2534 with proline.
Molecular consequence: missense variant.
Genome position (GRCh38, 1-based): chr1:237,649,965, T>C. VCF-style: chr1-237649965-T-C. GRCh37 (hg19) VCF-style: chr1-237813265-T-C.
Other names: short protein forms L2534P.
Identifiers: ClinVar variation 844881 (VCV000844881.13), dbSNP rs1276253444, ClinGen allele CA075881.

ClinVar aggregate classification (germline): Uncertain significance. Review status: criteria provided, multiple submitters, no conflicts (2 of 4 stars). 3 submissions from 3 submitters: Uncertain significance (3). Last evaluated 2025-12-22.

Conditions:
Cardiovascular phenotype. Identifiers: MedGen CN230736.
Catecholaminergic polymorphic ventricular tachycardia (CVPT). Also called: Catecholamine-induced polymorphic ventricular tachycardia. Identifiers: Orphanet 3286, MedGen C5574922, MONDO:0017990.
Catecholaminergic polymorphic ventricular tachycardia 1. Also called: VENTRICULAR TACHYCARDIA, CATECHOLAMINERGIC POLYMORPHIC, 1, WITH OR WITHOUT ATRIAL DYSFUNCTION AND/OR DILATED CARDIOMYOPATHY; VENTRICULAR TACHYCARDIA, STRESS-INDUCED POLYMORPHIC 1; RYR2-Related Catecholaminergic Polymorphic Ventricular Tachycardia. Identifiers: Orphanet 3286, MedGen C1631597, MONDO:0011484, OMIM 604772.

Allele frequency attached by ClinVar (database versions not stated): gnomAD exomes below 0.00001; TOPMed 0.00001.
gnomAD v4.1: 1 of 1,614,034 alleles (0.000062%); highest among the groups gnomAD compares: Admixed American, 0.0017%; no homozygotes.

Submissions (3):

Labcorp Genetics (formerly Invitae), Labcorp
Classification: Uncertain significance for Catecholaminergic polymorphic ventricular tachycardia 1. Last evaluated: 2025-12-22. Review status: criteria provided, single submitter. Criteria: Invitae Variant Classification Sherloc (09022015). Collection method: clinical testing. Allele origin: germline.
Comment: This sequence change replaces leucine, which is neutral and non-polar, with proline, which is neutral and non-polar, at codon 2534 of the RYR2 protein (p.Leu2534Pro). This variant is present in population databases (no rsID available, gnomAD 0.003%). This variant has not been reported in the literature in individuals affected with RYR2-related conditions. ClinVar contains an entry for this variant (Variation ID: 844881). Invitae Evidence Modeling of protein sequence and biophysical properties (such as structural, functional, and spatial information, amino acid conservation, physicochemical variation, residue mobility, and thermodynamic stability) indicates that this missense variant is expected to disrupt RYR2 protein function with a positive predictive value of 95%. In summary, the available evidence is currently insufficient to determine the role of this variant in disease. Therefore, it has been classified as a Variant of Uncertain Significance.

Ambry Genetics
Classification: Uncertain significance for Cardiovascular phenotype. Last evaluated: 2025-12-03. Review status: criteria provided, single submitter. Criteria: Ambry Variant Classification Scheme 2023. Collection method: clinical testing. Allele origin: germline.
Comment: The p.L2534P variant (also known as c.7601T>C), located in coding exon 50 of the RYR2 gene, results from a T to C substitution at nucleotide position 7601. The leucine at codon 2534 is replaced by proline, an amino acid with similar properties. This variant was reported in individual(s) in a sudden unexplained death cohort (Torkamani A et al. JAMA, 2016 Oct;316:1492-1494). This amino acid position is highly conserved in available vertebrate species. In addition, this alteration is predicted to be deleterious by in silico analysis. Based on the available evidence, the clinical significance of this variant remains unclear.

All of Us Research Program, National Institutes of Health
Classification: Uncertain significance for Catecholaminergic polymorphic ventricular tachycardia. Last evaluated: 2023-08-15. Review status: criteria provided, single submitter. Criteria: ACMG Guidelines, 2015. Collection method: clinical testing. Allele origin: germline. Inheritance: Autosomal dominant inheritance. Observed: 1 variant allele, 1 heterozygote.
Comment: This study involves interpretation of variants in research participants for the purpose of population health screening. Participant phenotype was not available at the time of variant classification. Additional details can be found in publication PMID: 35346344, PMCID: PMC8962531

Literature cited by the submitters: PubMed 27727376 (cited by Ambry Genetics).